The following is an entry in ClinVar:

NM_005876.5(SPEG):c.2827A>G (p.Lys943Glu)

Gene: SPEG (striated muscle enriched protein kinase; plus strand). Cytogenetic location: 2q35.
Variant type: single nucleotide variant.
Coding change: c.2827A>G on transcript NM_005876.5 (MANE Select); coding-DNA position 2827, A replaced by G.
Protein change: p.Lys943Glu; replaces lysine 943 with glutamic acid.
Molecular consequence: missense variant.
Genome position (GRCh38, 1-based): chr2:219,464,554, A>G. VCF-style: chr2-219464554-A-G. GRCh37 (hg19) VCF-style: chr2-220329276-A-G.
Other names: c.280A>G, p.Lys94Glu (NM_001173476.2); short protein forms K943E, K94E.
Identifiers: ClinVar variation 2007075 (VCV002007075.4), dbSNP rs754529942, ClinGen allele CA350739285.

ClinVar aggregate classification (germline): Uncertain significance (1 of 4 stars; one submission).

Submission:

Labcorp Genetics (formerly Invitae), Labcorp
Classification: Uncertain significance. Last evaluated: 2025-10-02. Review status: criteria provided, single submitter. Criteria: Invitae Variant Classification Sherloc (09022015). Collection method: clinical testing. Allele origin: germline.
Comment: This sequence change replaces lysine, which is basic and polar, with glutamic acid, which is acidic and polar, at codon 943 of the SPEG protein (p.Lys943Glu). This variant is not present in population databases (gnomAD no frequency). This variant has not been reported in the literature in individuals affected with SPEG-related conditions. ClinVar contains an entry for this variant (Variation ID: 2007075). An algorithm developed to predict the effect of missense changes on protein structure and function (PolyPhen-2) suggests that this variant is likely to be disruptive. In summary, the available evidence is currently insufficient to determine the role of this variant in disease. Therefore, it has been classified as a Variant of Uncertain Significance.